The following is an entry in ClinVar:

ClinVar aggregate classification (germline): Uncertain significance (1 of 4 stars; one submission).

Conditions:
Cardiovascular phenotype. Identifiers: MedGen CN230736.

Submission:

Ambry Genetics
Classification: Uncertain significance for Cardiovascular phenotype. Last evaluated: 2025-09-17. Review status: criteria provided, single submitter. Criteria: Ambry Variant Classification Scheme 2023. Collection method: clinical testing. Allele origin: germline.
Comment: The p.E579D variant (also known as c.1737G>C), located in coding exon 12 of the ABCG5 gene, results from a G to C substitution at nucleotide position 1737. The glutamic acid at codon 579 is replaced by aspartic acid, an amino acid with highly similar properties. This amino acid position is conserved. In addition, this alteration is predicted to be deleterious by in silico analysis. Based on the available evidence, the clinical significance of this variant remains unclear.

NM_022436.3(ABCG5):c.1737G>C (p.Glu579Asp)

Genes: ABCG5 (ATP binding cassette subfamily G member 5; minus strand), DYNC2LI1 (dynein cytoplasmic 2 light intermediate chain 1; plus strand). Cytogenetic location: 2p21.
Variant type: single nucleotide variant.
Coding change: c.1737G>C on transcript NM_022436.3 (MANE Select); coding-DNA position 1737, G replaced by C.
Protein change: p.Glu579Asp; replaces glutamic acid 579 with aspartic acid.
Molecular consequence: missense variant. On other transcripts: intron variant (2).
Genome position (GRCh38, 1-based): chr2:43,814,502, C>G on the plus strand (G>C on the coding strand, the complement: ABCG5 is on the minus strand). VCF-style: chr2-43814502-C-G. GRCh37 (hg19) VCF-style: chr2-44041641-C-G.
Other names: c.*15+3978C>G (NM_001348913.2, NM_001348912.2); short protein forms E579D.
Identifiers: ClinVar variation 4613322 (VCV004613322.1).